The following is an entry in ClinVar:

NM_199420.4(POLQ):c.6081A>T (p.Gln2027His)

Gene: POLQ (DNA polymerase theta; minus strand). Cytogenetic location: 3q13.33.
Variant type: single nucleotide variant.
Coding change: c.6081A>T on transcript NM_199420.4 (MANE Select); coding-DNA position 6081, A replaced by T.
Protein change: p.Gln2027His; replaces glutamine 2027 with histidine.
Molecular consequence: missense variant.
Genome position (GRCh38, 1-based): chr3:121,481,702, T>A on the plus strand (A>T on the coding strand, the complement: POLQ is on the minus strand). VCF-style: chr3-121481702-T-A. GRCh37 (hg19) VCF-style: chr3-121200549-T-A.
Other names: short protein forms Q2027H.
Identifiers: ClinVar variation 3422360 (VCV003422360.1).

ClinVar aggregate classification (germline): Uncertain significance (1 of 4 stars; one submission).

Submission:

Ambry Genetics
Classification: Uncertain significance. Last evaluated: 2024-09-22. Review status: criteria provided, single submitter. Criteria: Ambry Variant Classification Scheme 2023. Collection method: clinical testing. Allele origin: germline.
Comment: The p.Q2027H variant (also known as c.6081A>T), located in coding exon 19 of the POLQ gene, results from an A to T substitution at nucleotide position 6081. The glutamine at codon 2027 is replaced by histidine, an amino acid with highly similar properties. This amino acid position is conserved. In addition, this alteration is predicted to be tolerated by in silico analysis. Based on the available evidence, the clinical significance of this variant remains unclear.